The following is an entry in ClinVar:

NM_000283.4(PDE6B):c.2462T>C (p.Leu821Pro)

Gene: PDE6B (phosphodiesterase 6B; plus strand). Cytogenetic location: 4p16.3.
Variant type: single nucleotide variant.
Coding change: c.2462T>C on transcript NM_000283.4 (MANE Select); coding-DNA position 2462, T replaced by C.
Protein change: p.Leu821Pro; replaces leucine 821 with proline.
Molecular consequence: missense variant. On other transcripts: intron variant (2).
Genome position (GRCh38, 1-based): chr4:667,965, T>C. VCF-style: chr4-667965-T-C. GRCh37 (hg19) VCF-style: chr4-661754-T-C.
Other names: c.2462T>C, p.Leu821Pro (NM_001145291.2); c.1625T>C, p.Leu542Pro (NM_001145292.2, NM_001379246.1, NM_001379247.1); c.1601+24T>C (NM_001350154.3); c.1283+24T>C (NM_001350155.3); short protein forms L542P, L821P.
Identifiers: ClinVar variation 3636983 (VCV003636983.2).

ClinVar aggregate classification (germline): Uncertain significance (1 of 4 stars; one submission).

Submission:

Labcorp Genetics (formerly Invitae), Labcorp
Classification: Uncertain significance. Last evaluated: 2024-08-17. Review status: criteria provided, single submitter. Criteria: Invitae Variant Classification Sherloc (09022015). Collection method: clinical testing. Allele origin: germline.
Comment: This sequence change replaces leucine, which is neutral and non-polar, with proline, which is neutral and non-polar, at codon 821 of the PDE6B protein (p.Leu821Pro). This variant is not present in population databases (gnomAD no frequency). This variant has not been reported in the literature in individuals affected with PDE6B-related conditions. Invitae Evidence Modeling of protein sequence and biophysical properties (such as structural, functional, and spatial information, amino acid conservation, physicochemical variation, residue mobility, and thermodynamic stability) has been performed for this missense variant. However, the output from this modeling did not meet the statistical confidence thresholds required to predict the impact of this variant on PDE6B protein function. In summary, the available evidence is currently insufficient to determine the role of this variant in disease. Therefore, it has been classified as a Variant of Uncertain Significance.